The following is an entry in ClinVar:

ClinVar aggregate classification (germline): Uncertain significance (1 of 4 stars; one submission).

Conditions:
Brachyolmia-amelogenesis imperfecta syndrome. Also called: PLATYSPONDYLY WITH AMELOGENESIS IMPERFECTA; Tooth agenesis, selective, 6; Dental anomalies and short stature. Identifiers: Orphanet 2899, MedGen C1832594, MONDO:0011018, OMIM 601216. Disease mechanism: loss of function.

Submission:

Labcorp Genetics (formerly Invitae), Labcorp
Classification: Uncertain significance for Brachyolmia-amelogenesis imperfecta syndrome. Last evaluated: 2025-09-24. Review status: criteria provided, single submitter. Criteria: Invitae Variant Classification Sherloc (09022015). Collection method: clinical testing. Allele origin: germline.
Comment: This variant, c.3229_3234dup, results in the insertion of 2 amino acid(s) of the LTBP3 protein (p.Ser1077_Pro1078dup), but otherwise preserves the integrity of the reading frame. This variant is not present in population databases (gnomAD no frequency). This variant has not been reported in the literature in individuals affected with LTBP3-related conditions. ClinVar contains an entry for this variant (Variation ID: 3669212). In summary, the available evidence is currently insufficient to determine the role of this variant in disease. Therefore, it has been classified as a Variant of Uncertain Significance.

NM_001130144.3(LTBP3):c.3229_3234dup (p.Pro1078_Glu1079insSerPro)

Genes: LTBP3 (latent transforming growth factor beta binding protein 3; minus strand), LOC121832793 (Sharpr-MPRA regulatory region 4001; plus strand). Cytogenetic location: 11q13.1.
Variant type: Duplication.
Coding change: c.3229_3234dup on transcript NM_001130144.3 (MANE Select); coding-DNA positions 3229 to 3234, 6 bases duplicated (AGCCCG; older notation c.3229_3234dupAGCCCG).
Protein change: p.Pro1078_Glu1079insSerPro.
Genome position (GRCh38, 1-based): chr11:65,540,255-65,540,260, CGGGCT duplicated on the plus strand (AGCCCG on the coding strand, the reverse complement: LTBP3 is on the minus strand); duplicating any 6 consecutive bases within chr11:65,540,255-65,540,261 gives the same sequence; the c. name uses the placement nearest the transcript's 3' end. VCF-style (leftmost placement, unchanged base first): chr11-65540254-C-CCGGGCT. GRCh37 (hg19) VCF-style: chr11-65307725-C-CCGGGCT.
Other names: c.2878_2883dup, p.Pro961_Glu962insSerPro (NM_001164266.1); c.3229_3234dup, p.Pro1078_Glu1079insSerPro (NM_021070.4).
Identifiers: ClinVar variation 3669212 (VCV003669212.2).